The following is an entry in ClinVar:

ClinVar aggregate classification (germline): Conflicting classifications of pathogenicity. Review status: criteria provided, conflicting classifications (1 of 4 stars). 2 submissions from 2 submitters: Likely pathogenic (1); Uncertain significance (1). Last evaluated 2026-01-29.

Conditions:
Hereditary cancer-predisposing syndrome. Also called: Hereditary Cancer Syndrome; Tumor predisposition; Neoplastic Syndromes, Hereditary; Hereditary neoplastic syndrome. Identifiers: Orphanet 140162, MedGen C0027672, MeSH D009386, MONDO:0015356.

Allele frequency attached by ClinVar (database versions not stated): gnomAD exomes below 0.00001.
gnomAD v4.1: 4 of 1,600,096 alleles (0.00025%); highest among the groups gnomAD compares: Non-Finnish European, 0.00034%; no homozygotes.

Submissions (2):

Ambry Genetics
Classification: Uncertain significance for Hereditary cancer-predisposing syndrome. Last evaluated: 2026-01-29. Review status: criteria provided, single submitter. Criteria: Ambry Variant Classification Scheme 2023. Collection method: clinical testing. Allele origin: germline.
Comment: The c.3060+1G>A intronic variant results from a G to A substitution one nucleotide after coding exon 25 of the POLE gene. This nucleotide position is highly conserved in available vertebrate species. In silico splice site analysis predicts that this alteration will weaken the native splice donor site. Alterations that disrupt the canonical splice site are expected to cause aberrant splicing, resulting in an abnormal protein or a transcript that is subject to nonsense-mediated mRNA decay. RNA studies have demonstrated that this variant results in abnormal splicing in the set of samples tested (Ambry internal data). Although biallelic loss of function of POLE has been associated with autosomal recessive POLE deficiency, haploinsufficiency of POLE has not been established as a mechanism of disease for POLE-related polymerase proofreading-associated polyposis (PPAP) and POLE-related CMMRD-like syndrome. Based on the supporting evidence, this variant is expected to be causative of POLE deficiency when present along with a second pathogenic variant on the other allele; however, its clinical significance for PPAP and POLE-related CMMRD-like syndrome is unclear.

Labcorp Genetics (formerly Invitae), Labcorp
Classification: Likely pathogenic. Last evaluated: 2025-10-27. Review status: criteria provided, single submitter. Criteria: Invitae Variant Classification Sherloc (09022015). Collection method: clinical testing. Allele origin: germline.
Comment: This sequence change affects a donor splice site in intron 25 of the POLE gene. RNA analysis indicates that disruption of this splice site induces altered splicing and may result in an absent or altered protein product. This variant is not present in population databases (gnomAD no frequency). This variant has not been reported in the literature in individuals affected with POLE-related conditions. ClinVar contains an entry for this variant (Variation ID: 822765). Studies have shown that disruption of this splice site results in activation of a cryptic splice site, and produces a non-functional protein and/or introduces a premature termination codon (internal data). In summary, the currently available evidence indicates that the variant is pathogenic, but additional data are needed to prove that conclusively. Therefore, this variant has been classified as Likely Pathogenic.

NM_006231.4(POLE):c.3060+1G>A

Gene: POLE (DNA polymerase epsilon, catalytic subunit; minus strand). Cytogenetic location: 12q24.33.
Variant type: single nucleotide variant.
Coding change: c.3060+1G>A on transcript NM_006231.4 (MANE Select); the canonical splice donor site of the intron after coding-DNA position 3060, G replaced by A.
Molecular consequence: splice donor variant.
Genome position (GRCh38, 1-based): chr12:132,660,968, C>T on the plus strand (G>A on the coding strand, the complement: POLE is on the minus strand). VCF-style: chr12-132660968-C-T. GRCh37 (hg19) VCF-style: chr12-133237554-C-T.
Identifiers: ClinVar variation 822765 (VCV000822765.13), dbSNP rs1593775696, ClinGen allele CA387392126.